The following is an entry in ClinVar:

ClinVar aggregate classification (germline): Uncertain significance (1 of 4 stars; one submission).

gnomAD v4.1: 2 of 1,596,854 alleles (0.00013%); highest among the groups gnomAD compares: African/African-American, 0.0013%; no homozygotes.

Submission:

GeneDx
Classification: Uncertain significance. Last evaluated: 2024-05-06. Review status: criteria provided, single submitter. Criteria: GeneDx Variant Classification Process June 2021. Collection method: clinical testing. Allele origin: germline. Affected: yes.
Comment: Not observed at significant frequency in large population cohorts (gnomAD); In silico analysis indicates that this missense variant does not alter protein structure/function; Has not been previously published as pathogenic or benign to our knowledge

NM_013296.5(GPSM2):c.1175T>C (p.Ile392Thr)

Gene: GPSM2 (G protein signaling modulator 2; plus strand). Cytogenetic location: 1p13.3.
Variant type: single nucleotide variant.
Coding change: c.1175T>C on transcript NM_013296.5 (MANE Select); coding-DNA position 1175, T replaced by C.
Protein change: p.Ile392Thr; replaces isoleucine 392 with threonine.
Molecular consequence: missense variant.
Genome position (GRCh38, 1-based): chr1:108,904,237, T>C. VCF-style: chr1-108904237-T-C. GRCh37 (hg19) VCF-style: chr1-109446859-T-C.
Other names: c.1175T>C, p.Ile392Thr (NM_001321038.2, NM_001321039.3); short protein forms I392T.
Identifiers: ClinVar variation 3375927 (VCV003375927.1).